The following is an entry in ClinVar:

ClinVar aggregate classification (germline): Uncertain significance (1 of 4 stars; one submission).

Conditions:
COG8-congenital disorder of glycosylation. Also called: CDG IIh; COG8-CDG. Identifiers: Orphanet 95428, MedGen C1970021, MONDO:0012635, OMIM 611182.

Allele frequency attached by ClinVar (database versions not stated): gnomAD exomes below 0.00001 and 0.00001.
gnomAD v4.1: 2 of 1,614,188 alleles (0.00012%); highest among the groups gnomAD compares: South Asian, 0.0022%; no homozygotes.

Submission:

Baylor Genetics
Classification: Uncertain significance for COG8-congenital disorder of glycosylation. Last evaluated: 2019-01-15. Review status: criteria provided, single submitter. Criteria: ACMG Guidelines, 2015. Collection method: clinical testing. Allele origin: maternal. Affected: yes.
Comment: This variant was determined to be of uncertain significance according to ACMG Guidelines, 2015 [PMID:25741868].

NM_032382.5(COG8):c.1208C>A (p.Pro403Gln)

Gene: COG8 (component of oligomeric golgi complex 8; minus strand). Cytogenetic location: 16q22.1.
Variant type: single nucleotide variant.
Coding change: c.1208C>A on transcript NM_032382.5 (MANE Select); coding-DNA position 1208, C replaced by A.
Protein change: p.Pro403Gln; replaces proline 403 with glutamine.
Molecular consequence: missense variant.
Genome position (GRCh38, 1-based): chr16:69,334,726, G>T on the plus strand (C>A on the coding strand, the complement: COG8 is on the minus strand). VCF-style: chr16-69334726-G-T. GRCh37 (hg19) VCF-style: chr16-69368629-G-T.
Other names: c.1208C>A, p.Pro403Gln (NM_001374871.1, NM_001379261.1, NM_001379262.1 and 4 more transcripts); short protein forms P403Q.
Identifiers: ClinVar variation 1030966 (VCV001030966.1), dbSNP rs1426796055, ClinGen allele CA396483982.